The following is an entry in ClinVar:

NM_016955.4(SEPSECS):c.821G>A (p.Arg274Lys)

Gene: SEPSECS (Sep (O-phosphoserine) tRNA:Sec (selenocysteine) tRNA synthase; minus strand). Cytogenetic location: 4p15.2.
Variant type: single nucleotide variant.
Coding change: c.821G>A on transcript NM_016955.4 (MANE Select); coding-DNA position 821, G replaced by A.
Protein change: p.Arg274Lys; replaces arginine 274 with lysine.
Molecular consequence: missense variant.
Genome position (GRCh38, 1-based): chr4:25,145,117, C>T on the plus strand (G>A on the coding strand, the complement: SEPSECS is on the minus strand). VCF-style: chr4-25145117-C-T. GRCh37 (hg19) VCF-style: chr4-25146739-C-T.
Other names: c.1076G>A, p.Arg359Lys (NM_001410714.1); c.821G>A, p.Arg274Lys (NM_153825.2); c.821G>A (NM_016955.3); short protein forms R274K, R359K.
Identifiers: ClinVar variation 1986892 (VCV001986892.2), dbSNP rs757204486, ClinGen allele CA2877334.

ClinVar aggregate classification (germline): Uncertain significance. Review status: criteria provided, multiple submitters, no conflicts (2 of 4 stars). 2 submissions from 2 submitters: Uncertain significance (2). Last evaluated 2022-12-09.

Allele frequency attached by ClinVar (database versions not stated): ExAC 0.00001; gnomAD 0.00001; gnomAD exomes 0.00001.
gnomAD v4.1: 10 of 1,613,802 alleles (0.00062%); highest among the groups gnomAD compares: African/African-American, 0.011%; no homozygotes.

Submissions (2):

GeneDx
Classification: Uncertain significance. Last evaluated: 2022-12-09. Review status: criteria provided, single submitter. Criteria: GeneDx Variant Classification Process June 2021. Collection method: clinical testing. Allele origin: germline. Affected: yes.
Comment: Not observed at significant frequency in large population cohorts (gnomAD); In silico analysis supports that this missense variant has a deleterious effect on protein structure/function; Has not been previously published as pathogenic or benign to our knowledge

Labcorp Genetics (formerly Invitae), Labcorp
Classification: Uncertain significance. Last evaluated: 2022-08-22. Review status: criteria provided, single submitter. Criteria: Invitae Variant Classification Sherloc (09022015). Collection method: clinical testing. Allele origin: germline.
Comment: This sequence change replaces arginine, which is basic and polar, with lysine, which is basic and polar, at codon 274 of the SEPSECS protein (p.Arg274Lys). This variant is present in population databases (rs757204486, gnomAD 0.007%). This variant has not been reported in the literature in individuals affected with SEPSECS-related conditions. Algorithms developed to predict the effect of missense changes on protein structure and function (SIFT, PolyPhen-2, Align-GVGD) all suggest that this variant is likely to be disruptive. In summary, the available evidence is currently insufficient to determine the role of this variant in disease. Therefore, it has been classified as a Variant of Uncertain Significance.